The following is an entry in ClinVar:

NM_000271.5(NPC1):c.274C>T (p.Gln92Ter)

Gene: NPC1 (NPC intracellular cholesterol transporter 1; minus strand). Cytogenetic location: 18q11.2.
Variant type: single nucleotide variant.
Coding change: c.274C>T on transcript NM_000271.5 (MANE Select); coding-DNA position 274, C replaced by T.
Protein change: p.Gln92Ter; replaces glutamine 92 with a stop codon.
Molecular consequence: nonsense.
Genome position (GRCh38, 1-based): chr18:23,572,087, G>A on the plus strand (C>T on the coding strand, the complement: NPC1 is on the minus strand). VCF-style: chr18-23572087-G-A. GRCh37 (hg19) VCF-style: chr18-21152051-G-A.
Other names: short protein forms Q92*.
Identifiers: ClinVar variation 2759378 (VCV002759378.4), dbSNP rs2511352133, ClinGen allele CA401786363.

ClinVar aggregate classification (germline): Pathogenic. Review status: criteria provided, multiple submitters, no conflicts (2 of 4 stars). 2 submissions from 2 submitters: Pathogenic (2). Last evaluated 2026-01-09.

Conditions:
Niemann-Pick disease, type C1. Also called: NEUROVISCERAL STORAGE DISEASE WITH VERTICAL SUPRANUCLEAR OPHTHALMOPLEGIA; NIEMANN-PICK DISEASE WITH CHOLESTEROL ESTERIFICATION BLOCK; NIEMANN-PICK DISEASE WITHOUT SPHINGOMYELINASE DEFICIENCY; NIEMANN-PICK DISEASE, CHRONIC NEURONOPATHIC FORM; NIEMANN-PICK DISEASE, VARIANT TYPE C1. Identifiers: Orphanet 646, MedGen C3179455, MONDO:0009757, OMIM 257220.

Allele frequency attached by ClinVar (database versions not stated): gnomAD exomes below 0.00001.

Submissions (2):

Myriad Genetics, Inc.
Classification: Pathogenic for Niemann-Pick disease, type C1. Last evaluated: 2026-01-09. Review status: criteria provided, single submitter. Criteria: Myriad Autosomal Dominant, Autosomal Recessive and X-Linked Classification Criteria (2023). Collection method: clinical testing. Allele origin: unknown.
Comment: NM_000271.4(NPC1):c.274C>T(Q92*) is expected to be pathogenic in the context of Niemann-Pick disease type C1. This variant is predicted to lead to an abnormal or absent protein product due to the creation of a premature termination codon in NPC1, a gene where loss-of-function variants are known to be pathogenic. Please note: this variant was assessed in the context of healthy population screening.

Labcorp Genetics (formerly Invitae), Labcorp
Classification: Pathogenic for Niemann-Pick disease, type C1. Last evaluated: 2023-09-21. Review status: criteria provided, single submitter. Criteria: Invitae Variant Classification Sherloc (09022015). Collection method: clinical testing. Allele origin: germline.
Comment: This sequence change creates a premature translational stop signal (p.Gln92*) in the NPC1 gene. It is expected to result in an absent or disrupted protein product. Loss-of-function variants in NPC1 are known to be pathogenic (PMID: 9211850). This variant is not present in population databases (gnomAD no frequency). This variant has not been reported in the literature in individuals affected with NPC1-related conditions. For these reasons, this variant has been classified as Pathogenic.

Literature cited by the submitters: PubMed 9211850 (cited by Labcorp Genetics (formerly Invitae), Labcorp).